The following is an entry in ClinVar:

ClinVar aggregate classification (germline): Uncertain significance. Review status: criteria provided, multiple submitters, no conflicts (2 of 4 stars). 3 submissions from 3 submitters: Uncertain significance (3). Last evaluated 2022-02-06.

Conditions:
Microcephaly 3, primary, autosomal recessive. Identifiers: Orphanet 2512, MedGen C1858108, MONDO:0011488, OMIM 604804.

Allele frequency attached by ClinVar (database versions not stated): TOPMed 0.00005.
gnomAD v4.1: 33 of 1,612,524 alleles (0.002%); highest among the groups gnomAD compares: East Asian, 0.018%; no homozygotes.

Submissions (3):

Labcorp Genetics (formerly Invitae), Labcorp
Classification: Uncertain significance. Last evaluated: 2022-02-06. Review status: criteria provided, single submitter. Criteria: Invitae Variant Classification Sherloc (09022015). Collection method: clinical testing. Allele origin: germline.
Comment: This sequence change replaces serine, which is neutral and polar, with cysteine, which is neutral and slightly polar, at codon 128 of the CDK5RAP2 protein (p.Ser128Cys). This variant is present in population databases (rs758009123, gnomAD 0.007%). This variant has not been reported in the literature in individuals affected with CDK5RAP2-related conditions. ClinVar contains an entry for this variant (Variation ID: 364785). Algorithms developed to predict the effect of missense changes on protein structure and function output the following: SIFT: "Deleterious"; PolyPhen-2: "Probably Damaging"; Align-GVGD: "Class C0". The cysteine amino acid residue is found in multiple mammalian species, which suggests that this missense change does not adversely affect protein function. Algorithms developed to predict the effect of sequence changes on RNA splicing suggest that this variant may create or strengthen a splice site. In summary, the available evidence is currently insufficient to determine the role of this variant in disease. Therefore, it has been classified as a Variant of Uncertain Significance.

Illumina Laboratory Services, Illumina
Classification: Uncertain significance for Microcephaly 3, primary, autosomal recessive. Last evaluated: 2018-01-13. Review status: criteria provided, single submitter. Criteria: ICSL Variant Classification Criteria 13 December 2019. Collection method: clinical testing. Allele origin: germline.

Breakthrough Genomics
Classification: Uncertain significance. Review status: criteria provided, single submitter. Criteria: ACMG Guidelines, 2015. Collection method: not provided. Allele origin: germline. Inheritance: Autosomal recessive inheritance. Affected: yes.

NM_018249.6(CDK5RAP2):c.383C>G (p.Ser128Cys)

Gene: CDK5RAP2 (CDK5 regulatory subunit associated protein 2; minus strand). Cytogenetic location: 9q33.2.
Variant type: single nucleotide variant.
Coding change: c.383C>G on transcript NM_018249.6 (MANE Select); coding-DNA position 383, C replaced by G.
Protein change: p.Ser128Cys; replaces serine 128 with cysteine.
Molecular consequence: missense variant. On other transcripts: non-coding transcript variant (5).
Genome position (GRCh38, 1-based): chr9:120,545,714, G>C on the plus strand (C>G on the coding strand, the complement: CDK5RAP2 is on the minus strand). VCF-style: chr9-120545714-G-C. GRCh37 (hg19) VCF-style: chr9-123307992-G-C.
Other names: c.383C>G, p.Ser128Cys (NM_001011649.3, NM_001272039.2); short protein forms S128C.
Identifiers: ClinVar variation 364785 (VCV000364785.7), dbSNP rs758009123, ClinGen allele CA5214764.